The following is an entry in ClinVar:

ClinVar aggregate classification (germline): Uncertain significance (1 of 4 stars; one submission).

Submission:

Labcorp Genetics (formerly Invitae), Labcorp
Classification: Uncertain significance. Last evaluated: 2025-07-14. Review status: criteria provided, single submitter. Criteria: Invitae Variant Classification Sherloc (09022015). Collection method: clinical testing. Allele origin: germline.
Comment: This sequence change replaces glutamic acid, which is acidic and polar, with glutamine, which is neutral and polar, at codon 494 of the TNFRSF11A protein (p.Glu494Gln). This variant is not present in population databases (gnomAD no frequency). This variant has not been reported in the literature in individuals affected with TNFRSF11A-related conditions. An algorithm developed to predict the effect of missense changes on protein structure and function outputs the following: PolyPhen-2: "Benign". The glutamine amino acid residue is found in multiple mammalian species, which suggests that this missense change does not adversely affect protein function. In summary, the available evidence is currently insufficient to determine the role of this variant in disease. Therefore, it has been classified as a Variant of Uncertain Significance.

NM_003839.4(TNFRSF11A):c.1480G>C (p.Glu494Gln)

Gene: TNFRSF11A (TNF receptor superfamily member 11a; plus strand). Cytogenetic location: 18q21.33.
Variant type: single nucleotide variant.
Coding change: c.1480G>C on transcript NM_003839.4 (MANE Select); coding-DNA position 1480, G replaced by C.
Protein change: p.Glu494Gln; replaces glutamic acid 494 with glutamine.
Molecular consequence: missense variant. On other transcripts: intron variant (3).
Genome position (GRCh38, 1-based): chr18:62,369,397, G>C. VCF-style: chr18-62369397-G-C. GRCh37 (hg19) VCF-style: chr18-60036630-G-C.
Other names: c.1438G>C, p.Glu480Gln (NM_001278268.2); c.783+2637G>C (NM_001270949.2); c.730+7604G>C (NM_001270950.2); c.616+9348G>C (NM_001270951.2); short protein forms E480Q, E494Q.
Identifiers: ClinVar variation 4699197 (VCV004699197.1).